The following is an entry in ClinVar:

NM_000824.5(GLRB):c.1375C>G (p.Pro459Ala)

Gene: GLRB (glycine receptor beta; plus strand). Cytogenetic location: 4q32.1.
Variant type: single nucleotide variant.
Coding change: c.1375C>G on transcript NM_000824.5 (MANE Select); coding-DNA position 1375, C replaced by G.
Protein change: p.Pro459Ala; replaces proline 459 with alanine.
Molecular consequence: missense variant. On other transcripts: 3 prime UTR variant (1).
Genome position (GRCh38, 1-based): chr4:157,170,609, C>G. VCF-style: chr4-157170609-C-G. GRCh37 (hg19) VCF-style: chr4-158091761-C-G.
Other names: c.1375C>G, p.Pro459Ala (NM_001166060.2); c.*170C>G (NM_001166061.2); short protein forms P459A.
Identifiers: ClinVar variation 1463788 (VCV001463788.6), dbSNP rs1737883762, ClinGen allele CA358645262.

ClinVar aggregate classification (germline): Uncertain significance (1 of 4 stars; one submission).

Conditions:
Hyperekplexia 2 (HKPX2). Identifiers: Orphanet 3197, MedGen C3553291, MONDO:0013828, OMIM 614619.

Submission:

Labcorp Genetics (formerly Invitae), Labcorp
Classification: Uncertain significance for Hyperekplexia 2. Last evaluated: 2022-07-06. Review status: criteria provided, single submitter. Criteria: Invitae Variant Classification Sherloc (09022015). Collection method: clinical testing. Allele origin: germline.
Comment: In summary, the available evidence is currently insufficient to determine the role of this variant in disease. Therefore, it has been classified as a Variant of Uncertain Significance. Advanced modeling of protein sequence and biophysical properties (such as structural, functional, and spatial information, amino acid conservation, physicochemical variation, residue mobility, and thermodynamic stability) performed at Invitae indicates that this missense variant is not expected to disrupt GLRB protein function. ClinVar contains an entry for this variant (Variation ID: 1463788). This variant has not been reported in the literature in individuals affected with GLRB-related conditions. This variant is not present in population databases (gnomAD no frequency). This sequence change replaces proline, which is neutral and non-polar, with alanine, which is neutral and non-polar, at codon 459 of the GLRB protein (p.Pro459Ala).